The following is an entry in ClinVar:

NM_001365536.1(SCN9A):c.3971T>C (p.Val1324Ala)

Genes: SCN9A (sodium voltage-gated channel alpha subunit 9; minus strand), SCN1A-AS1 (SCN1A and SCN9A antisense RNA 1; plus strand). Cytogenetic location: 2q24.3.
Variant type: single nucleotide variant.
Coding change: c.3971T>C on transcript NM_001365536.1 (MANE Select); coding-DNA position 3971, T replaced by C.
Protein change: p.Val1324Ala; replaces valine 1324 with alanine.
Molecular consequence: missense variant.
Genome position (GRCh38, 1-based): chr2:166,228,926, A>G on the plus strand (T>C on the coding strand, the complement: SCN9A is on the minus strand). VCF-style: chr2-166228926-A-G. GRCh37 (hg19) VCF-style: chr2-167085436-A-G.
Other names: c.3938T>C, p.Val1313Ala (NM_002977.4); short protein forms V1313A, V1324A.
Identifiers: ClinVar variation 965499 (VCV000965499.12), dbSNP rs765757819, ClinGen allele CA349064570.
Genomic context (GRCh38, chr2:166,228,926, plus strand): 5'-GCAAACAAATTTACTCCCATGATGCTGAATATCAGCCAGAATATAAGACACACAAGTAGC[A>G]CATTCATGATGGAAGGAATTGCTCCTATGAGTGCATTCACAACGACCTAGTATTCAAAAG-3'
Protein context (NP_001352465.1, residues 1314-1334): LIGAIPSIMN[Val1324Ala]LLVCLIFWLI

ClinVar aggregate classification (germline): Uncertain significance. Review status: criteria provided, multiple submitters, no conflicts (2 of 4 stars). 2 submissions from 2 submitters: Uncertain significance (2). Last evaluated 2025-05-23.

Conditions:
Generalized epilepsy with febrile seizures plus, type 7 (GEFSP7). Also called: GEFS+, TYPE 7. Identifiers: Orphanet 36387, MedGen C2751778, MONDO:0013470, OMIM 613863.
Neuropathy, hereditary sensory and autonomic, type 2A (HSAN2A). Also called: MORVAN DISEASE; NEUROPATHY, CONGENITAL SENSORY; NEUROPATHY, HEREDITARY SENSORY RADICULAR, AUTOSOMAL RECESSIVE; NEUROPATHY, HEREDITARY SENSORY, TYPE IIA; NEUROPATHY, PROGRESSIVE SENSORY, OF CHILDREN; ACROOSTEOLYSIS, GIACCAI TYPE. Identifiers: Orphanet 970, MedGen C2752089, MONDO:0024309, OMIM 201300.
Inborn genetic diseases. Identifiers: MedGen C0950123, MeSH D030342.

Allele frequency attached by ClinVar (database versions not stated): TOPMed 0.00001.
gnomAD v4.1: 4 of 1,613,856 alleles (0.00025%); highest among the groups gnomAD compares: Admixed American, 0.005%; no homozygotes.

Submissions (2):

Ambry Genetics
Classification: Uncertain significance for Inborn genetic diseases. Last evaluated: 2025-05-23. Review status: criteria provided, single submitter. Criteria: Ambry Variant Classification Scheme 2023. Collection method: clinical testing. Allele origin: germline.

Labcorp Genetics (formerly Invitae), Labcorp
Classification: Uncertain significance for Neuropathy, hereditary sensory and autonomic, type 2A; Generalized epilepsy with febrile seizures plus, type 7. Last evaluated: 2023-08-02. Review status: criteria provided, single submitter. Criteria: Invitae Variant Classification Sherloc (09022015). Collection method: clinical testing. Allele origin: germline.
Comment: In summary, the available evidence is currently insufficient to determine the role of this variant in disease. Therefore, it has been classified as a Variant of Uncertain Significance. Advanced modeling of protein sequence and biophysical properties (such as structural, functional, and spatial information, amino acid conservation, physicochemical variation, residue mobility, and thermodynamic stability) has been performed at Invitae for this missense variant, however the output from this modeling did not meet the statistical confidence thresholds required to predict the impact of this variant on SCN9A protein function. ClinVar contains an entry for this variant (Variation ID: 965499). This variant has not been reported in the literature in individuals affected with SCN9A-related conditions. This variant is present in population databases (no rsID available, gnomAD 0.003%). This sequence change replaces valine, which is neutral and non-polar, with alanine, which is neutral and non-polar, at codon 1313 of the SCN9A protein (p.Val1313Ala).